The following is an entry in ClinVar:

ClinVar aggregate classification (germline): Uncertain significance (1 of 4 stars; one submission).

Conditions:
Inborn genetic diseases. Identifiers: MedGen C0950123, MeSH D030342.

Submission:

Ambry Genetics
Classification: Uncertain significance for Inborn genetic diseases. Last evaluated: 2025-12-29. Review status: criteria provided, single submitter. Criteria: Ambry Variant Classification Scheme 2023. Collection method: clinical testing. Allele origin: germline.
Comment: The c.92G>A (p.S31N) alteration is located in exon 1 (coding exon 1) of the KRT4 gene. This alteration results from a G to A substitution at nucleotide position 92, causing the serine (S) at amino acid position 31 to be replaced by an asparagine (N). Based on data from gnomAD, the A allele has an overall frequency of 0.001% (3/280830) total alleles studied. The highest observed frequency was 0.014% (1/7148) of Other alleles. Based on insufficient or conflicting evidence, the clinical significance of this alteration remains unclear.

NM_002272.4(KRT4):c.92G>A (p.Ser31Asn)

Gene: KRT4 (keratin 4; minus strand). Cytogenetic location: 12q13.13.
Variant type: single nucleotide variant.
Coding change: c.92G>A on transcript NM_002272.4 (MANE Select); coding-DNA position 92, G replaced by A.
Protein change: p.Ser31Asn; replaces serine 31 with asparagine.
Molecular consequence: missense variant.
Genome position (GRCh38, 1-based): chr12:52,813,967, C>T on the plus strand (G>A on the coding strand, the complement: KRT4 is on the minus strand). VCF-style: chr12-52813967-C-T. GRCh37 (hg19) VCF-style: chr12-53207751-C-T.
Other names: short protein forms S31N.
Identifiers: ClinVar variation 4828848 (VCV004828848.1).